The following is an entry in ClinVar:

ClinVar aggregate classification (germline): Uncertain significance. Review status: criteria provided, multiple submitters, no conflicts (2 of 4 stars). 2 submissions from 2 submitters: Uncertain significance (2). Last evaluated 2025-12-04.

Conditions:
Inborn genetic diseases. Identifiers: MedGen C0950123, MeSH D030342.

gnomAD v4.1: 1 of 1,614,152 alleles (0.000062%); highest among the groups gnomAD compares: Admixed American, 0.0017%; no homozygotes.

Submissions (2):

Ambry Genetics
Classification: Uncertain significance for Inborn genetic diseases. Last evaluated: 2025-12-04. Review status: criteria provided, single submitter. Criteria: Ambry Variant Classification Scheme 2023. Collection method: clinical testing. Allele origin: germline.

GeneDx
Classification: Uncertain significance. Last evaluated: 2025-02-04. Review status: criteria provided, single submitter. Criteria: GeneDx Variant Classification Process June 2021. Collection method: clinical testing. Allele origin: germline. Affected: yes.
Comment: Not observed at significant frequency in large population cohorts (gnomAD); In silico analysis indicates that this missense variant does not alter protein structure/function; Has not been previously published as pathogenic or benign to our knowledge

NM_144991.3(TSPEAR):c.1385C>G (p.Thr462Ser)

Gene: TSPEAR (thrombospondin type laminin G domain and EAR repeats; minus strand). Cytogenetic location: 21q22.3.
Variant type: single nucleotide variant.
Coding change: c.1385C>G on transcript NM_144991.3 (MANE Select); coding-DNA position 1385, C replaced by G.
Protein change: p.Thr462Ser; replaces threonine 462 with serine.
Molecular consequence: missense variant.
Genome position (GRCh38, 1-based): chr21:44,522,064, G>C on the plus strand (C>G on the coding strand, the complement: TSPEAR is on the minus strand). VCF-style: chr21-44522064-G-C. GRCh37 (hg19) VCF-style: chr21-45941947-G-C.
Other names: c.1181C>G, p.Thr394Ser (NM_001272037.2); short protein forms T394S, T462S.
Identifiers: ClinVar variation 4072593 (VCV004072593.2).